The following is an entry in ClinVar:

NM_001379500.1(COL18A1):c.2905C>T (p.Pro969Ser)

Genes: COL18A1 (collagen type XVIII alpha 1 chain; plus strand), SLC19A1 (solute carrier family 19 member 1; minus strand). Cytogenetic location: 21q22.3.
Variant type: single nucleotide variant.
Coding change: c.2905C>T on transcript NM_001379500.1 (MANE Select); coding-DNA position 2905, C replaced by T.
Protein change: p.Pro969Ser; replaces proline 969 with serine.
Molecular consequence: missense variant.
Genome position (GRCh38, 1-based): chr21:45,505,170, C>T. VCF-style: chr21-45505170-C-T. GRCh37 (hg19) VCF-style: chr21-46925084-C-T.
Other names: c.3436C>T, p.Pro1146Ser (NM_030582.4); c.4141C>T, p.Pro1381Ser (NM_130444.3); short protein forms P1146S, P969S, P1381S.
Identifiers: ClinVar variation 4980880 (VCV004980880.1).
Genomic context (GRCh38, chr21:45,505,170, plus strand): 5'-AGCGTCTCTTGTCGCCGTCCGTAGGGTCCCAAGGGAGAGAGCATCCGGGGCCAGCCCGGC[C>T]CACCTGGACCTCAGGGACCCCCCGGCATCGGCTACGAGGGGCGCCAGGGCCCTCCCGGCC-3'
Protein context (NP_001366429.1, residues 959-979): KGESIRGQPG[Pro969Ser]PGPQGPPGIG

ClinVar aggregate classification (germline): Uncertain significance (1 of 4 stars; one submission).

Conditions:
COL18A1-related disorder. Also called: COL18A1-related condition; COL18A1-related disorders.

gnomAD v4.1: 4 of 1,607,448 alleles (0.00025%); highest among the groups gnomAD compares: East Asian, 0.0022%; no homozygotes.

Submission:

PreventionGenetics, part of Exact Sciences
Classification: Uncertain significance for COL18A1-related condition. Last evaluated: 2025-06-16. Review status: criteria provided, single submitter. Criteria: ACMG Guidelines, 2015. Collection method: clinical testing. Allele origin: germline.
Comment: The COL18A1 c.3436C>T variant is predicted to result in the amino acid substitution p.Pro1146Ser. To our knowledge, this variant has not been reported in the literature or in a large population database (gnomAD), indicating this variant is rare. At this time, the clinical significance of this variant is uncertain due to the absence of conclusive functional and genetic evidence.